The following is an entry in ClinVar:

NM_000038.6(APC):c.4143del (p.Leu1382fs)

Gene: APC (APC regulator of Wnt signaling pathway; plus strand). Cytogenetic location: 5q22.2.
Variant type: Deletion.
Coding change: c.4143del on transcript NM_000038.6 (MANE Select); coding-DNA position 4143, one base deleted (A; older notation c.4143delA).
Protein change: p.Leu1382fs; shifts the reading frame from leucine 1382.
Molecular consequence: frameshift variant. On other transcripts: non-coding transcript variant (2).
Genome position (GRCh38, 1-based): chr5:112,839,737, A deleted. VCF-style (leftmost placement, unchanged base first): chr5-112839736-CA-C. GRCh37 (hg19) VCF-style: chr5-112175433-CA-C.
Other names: c.4143del, p.Leu1382fs (NM_001127510.3, NM_001354895.2, NM_001407450.1); c.4089del, p.Leu1364fs (NM_001127511.3); c.4197del, p.Leu1400fs (NM_001354896.2, NM_001407447.1, NM_001407448.1 and 1 more transcripts); c.4173del, p.Leu1392fs (NM_001354897.2); c.4068del, p.Leu1357fs (NM_001354898.2); c.4059del, p.Leu1354fs (NM_001354899.2); c.4020del, p.Leu1341fs (NM_001354900.2); c.3966del, p.Leu1323fs (NM_001354901.2, NM_001407453.1); and 11 more; short protein forms L1256fs, L1354fs, L1400fs, L1253fs, L1281fs, L1299fs, L1357fs, L1372fs.
Identifiers: ClinVar variation 2831810 (VCV002831810.3), dbSNP rs2533551890, ClinGen allele CA2739273276.
Genomic context (GRCh38, chr5:112,839,736, plus strand): 5'-CCTCCAAAAGTGGTGCTCAGACACCCAAAAGTCCACCTGAACACTATGTTCAGGAGACCC[CA>C]CTCATGTTTAGCAGATGTACTTCTGTCAGTTCACTTGATAGTTTTGAGAGTCGTTCGATT-3'

ClinVar aggregate classification (germline): Pathogenic (1 of 4 stars; one submission).

Conditions:
Familial adenomatous polyposis 1 (FAP1). Also called: FAMILIAL ADENOMATOUS POLYPOSIS 1, ATTENUATED; POLYPOSIS, ADENOMATOUS INTESTINAL. Identifiers: MedGen C2713442, MONDO:0021056, OMIM 175100. Disease mechanism: loss of function.

Submission:

Labcorp Genetics (formerly Invitae), Labcorp
Classification: Pathogenic for Familial adenomatous polyposis 1. Last evaluated: 2023-01-25. Review status: criteria provided, single submitter. Criteria: Invitae Variant Classification Sherloc (09022015). Collection method: clinical testing. Allele origin: germline.
Comment: This variant has not been reported in the literature in individuals affected with APC-related conditions. This variant is expected to disrupt the EB1 and HDLG binding sites, which mediate interactions with the cytoskeleton (PMID: 15311282, 17293347). While functional studies have not been performed to directly test the effect on APC protein function, this suggests that disruption of the C-terminal portion of the protein is functionally important. For these reasons, this variant has been classified as Pathogenic. A different truncation (p.Tyr2645Lysfs*14) that lies downstream of this variant has been determined to be pathogenic (PMID: 9824584, 1316610, 27081525, 8381579, 22135120, Invitae). This suggests that deletion of this region of the APC protein is causative of disease. This variant is not present in population databases (gnomAD no frequency). This sequence change creates a premature translational stop signal (p.Leu1382Serfs*33) in the APC gene. While this is not anticipated to result in nonsense mediated decay, it is expected to disrupt the last 1462 amino acid(s) of the APC protein.

Literature cited by the submitters: PubMed 15311282; PubMed 17293347; PubMed 9824584; PubMed 1316610; PubMed 27081525; PubMed 8381579; PubMed 22135120.